The following is an entry in ClinVar:

ClinVar aggregate classification (germline): Likely benign (1 of 4 stars; one submission).

Allele frequency attached by ClinVar (database versions not stated): TOPMed 0.00005; gnomAD 0.00011; gnomAD exomes 0.00018; ExAC 0.00019; ESP Exome Variant Server 0.00038; 1000 Genomes Project 30x 0.00094; 1000 Genomes Project 0.00120.
gnomAD v4.1: 273 of 1,613,886 alleles (0.017%); highest among the groups gnomAD compares: South Asian, 0.085%; 1 homozygote.

Submission:

CeGaT Center for Human Genetics Tuebingen
Classification: Likely benign. Last evaluated: 2022-12-01. Review status: criteria provided, single submitter. Criteria: CeGaT Center For Human Genetics Tuebingen Variant Classification Criteria Version 2. Collection method: clinical testing. Allele origin: germline. Affected: yes. Observed: 1 variant allele.
Comment: COL22A1: BP4, BP7

NM_152888.3(COL22A1):c.1287C>T (p.His429=)

Gene: COL22A1 (collagen type XXII alpha 1 chain; minus strand). Cytogenetic location: 8q24.23.
Variant type: single nucleotide variant.
Coding change: c.1287C>T on transcript NM_152888.3 (MANE Select); coding-DNA position 1287, C replaced by T.
Protein change: p.His429=; no amino-acid change (histidine 429 retained).
Molecular consequence: synonymous variant.
Genome position (GRCh38, 1-based): chr8:138,812,978, G>A on the plus strand (C>T on the coding strand, the complement: COL22A1 is on the minus strand). VCF-style: chr8-138812978-G-A. GRCh37 (hg19) VCF-style: chr8-139825221-G-A.
Identifiers: ClinVar variation 2658852 (VCV002658852.24), dbSNP rs147818620, ClinGen allele CA4892058.